The following is an entry in ClinVar:

NM_032575.3(GLIS2):c.546G>A (p.Leu182=)

Gene: GLIS2 (GLIS family zinc finger 2; plus strand). Cytogenetic location: 16p13.3.
Variant type: single nucleotide variant.
Coding change: c.546G>A on transcript NM_032575.3 (MANE Select); coding-DNA position 546, G replaced by A.
Protein change: p.Leu182=; no amino-acid change (leucine 182 retained).
Molecular consequence: synonymous variant.
Genome position (GRCh38, 1-based): chr16:4,335,083, G>A. VCF-style: chr16-4335083-G-A. GRCh37 (hg19) VCF-style: chr16-4385084-G-A.
Other names: c.546G>A, p.Leu182= (NM_001318918.2).
Identifiers: ClinVar variation 887478 (VCV000887478.8), dbSNP rs182526202, ClinGen allele CA7873039.

ClinVar aggregate classification (germline): Conflicting classifications of pathogenicity. Review status: criteria provided, conflicting classifications (1 of 4 stars). 3 submissions from 3 submitters: Uncertain significance (1); Benign (1). 1 of the submissions does not count toward it. Last evaluated 2025-05-24.

Conditions:
GLIS2-related disorder. Also called: GLIS2-related condition.
Nephronophthisis 7 (NPHP7). Identifiers: Orphanet 655, MedGen C1969092, MONDO:0012680, OMIM 611498.
Nephronophthisis. Also called: Juvenile Nephronophthisis. Identifiers: Orphanet 655, MedGen C0687120, MONDO:0019005, HP:0000090.

Allele frequency attached by ClinVar (database versions not stated): gnomAD 0.00004 and 0.00005; 1000 Genomes Project 30x 0.00031; ExAC 0.00019; TOPMed 0.00008; gnomAD exomes 0.00018; 1000 Genomes Project 0.00040.
gnomAD v4.1: 41 of 1,613,476 alleles (0.0025%); highest among the groups gnomAD compares: East Asian, 0.091%; no homozygotes.

Submissions (3):

Labcorp Genetics (formerly Invitae), Labcorp
Classification: Benign for Nephronophthisis. Last evaluated: 2025-05-24. Review status: criteria provided, single submitter. Criteria: Invitae Variant Classification Sherloc (09022015). Collection method: clinical testing. Allele origin: germline.

Illumina Laboratory Services, Illumina
Classification: Uncertain significance for Nephronophthisis 7. Last evaluated: 2018-01-12. Review status: criteria provided, single submitter. Criteria: ICSL Variant Classification Criteria 13 December 2019. Collection method: clinical testing. Allele origin: germline.

PreventionGenetics, part of Exact Sciences
Classification: Likely benign for GLIS2-related condition. Last evaluated: 2023-10-25. Review status: no assertion criteria provided. Collection method: clinical testing. Allele origin: germline. Not counted in ClinVar's aggregate classification.
Comment: This variant is classified as likely benign based on ACMG/AMP sequence variant interpretation guidelines (Richards et al. 2015 PMID: 25741868, with internal and published modifications).